The following is an entry in ClinVar:

ClinVar aggregate classification (germline): Likely pathogenic (1 of 4 stars; one submission).

Conditions:
LAMA2-related muscular dystrophy (LAMA2-RD). Also called: Laminin alpha 2-related dystrophy. Identifiers: MedGen C5679788, MONDO:0100228.

Submission:

Myriad Genetics, Inc.
Classification: Likely pathogenic for LAMA2-related muscular dystrophy. Last evaluated: 2019-12-05. Review status: criteria provided, single submitter. Criteria: Myriad Autosomal Dominant, Autosomal Recessive and X-Linked Classification Criteria (2023). Collection method: clinical testing. Allele origin: unknown.
Comment: NM_000426.3(LAMA2):c.4140T>A(C1380*) is expected to be pathogenic in the context of LAMA2-related muscular dystrophy. This variant is predicted to lead to an abnormal or absent protein product due to the creation of a premature termination codon in LAMA2, a gene where loss-of-function variants are known to be pathogenic. Please note: this variant was assessed in the context of healthy population screening.

NM_000426.4(LAMA2):c.4140T>A (p.Cys1380Ter)

Gene: LAMA2 (laminin subunit alpha 2; plus strand). Cytogenetic location: 6q22.33.
Variant type: single nucleotide variant.
Coding change: c.4140T>A on transcript NM_000426.4 (MANE Select); coding-DNA position 4140, T replaced by A.
Protein change: p.Cys1380Ter; replaces cysteine 1380 with a stop codon.
Molecular consequence: nonsense.
Genome position (GRCh38, 1-based): chr6:129,320,619, T>A. VCF-style: chr6-129320619-T-A. GRCh37 (hg19) VCF-style: chr6-129641764-T-A.
Other names: c.4140T>A, p.Cys1380Ter (NM_001079823.2); short protein forms C1380*.
Identifiers: ClinVar variation 983922 (VCV000983922.4), dbSNP rs1774908660, ClinGen allele CA365612830.